The following is an entry in ClinVar:

NM_004304.5(ALK):c.1079G>C (p.Arg360Thr)

Gene: ALK (ALK receptor tyrosine kinase; minus strand). Cytogenetic location: 2p23.2.
Variant type: single nucleotide variant.
Coding change: c.1079G>C on transcript NM_004304.5 (MANE Select); coding-DNA position 1079, G replaced by C.
Protein change: p.Arg360Thr; replaces arginine 360 with threonine.
Molecular consequence: missense variant.
Genome position (GRCh38, 1-based): chr2:29,531,990, C>G on the plus strand (G>C on the coding strand, the complement: ALK is on the minus strand). VCF-style: chr2-29531990-C-G. GRCh37 (hg19) VCF-style: chr2-29754856-C-G.
Other names: short protein forms R360T.
Identifiers: ClinVar variation 1785810 (VCV001785810.2), dbSNP rs1673132479, ClinGen allele CA346587320.

ClinVar aggregate classification (germline): Uncertain significance (1 of 4 stars; one submission).

Conditions:
Hereditary cancer-predisposing syndrome. Also called: Neoplastic Syndromes, Hereditary; Tumor predisposition; Hereditary Cancer Syndrome; Hereditary neoplastic syndrome. Identifiers: Orphanet 140162, MedGen C0027672, MeSH D009386, MONDO:0015356.

Submission:

Ambry Genetics
Classification: Uncertain significance for Hereditary cancer-predisposing syndrome. Last evaluated: 2022-09-18. Review status: criteria provided, single submitter. Criteria: Ambry Variant Classification Scheme 2023. Collection method: clinical testing. Allele origin: germline.
Comment: The p.R360T variant (also known as c.1079G>C), located in coding exon 4 of the ALK gene, results from a G to C substitution at nucleotide position 1079. The arginine at codon 360 is replaced by threonine, an amino acid with similar properties. This amino acid position is conserved. In addition, this alteration is predicted to be tolerated by in silico analysis. Since supporting evidence is limited at this time, the clinical significance of this alteration remains unclear.